The following is an entry in ClinVar:

ClinVar aggregate classification (germline): Uncertain significance. Review status: criteria provided, multiple submitters, no conflicts (2 of 4 stars). 3 submissions from 3 submitters: Uncertain significance (3). Last evaluated 2026-07-06.

Conditions:
Cardiovascular phenotype. Identifiers: MedGen CN230736.
Hypercholesterolemia, autosomal dominant, type B (FHCL2). Also called: Familial hypercholesterolemia 2; Familial Hypercholesterolemia Type B; APOLIPOPROTEIN B-100, FAMILIAL DEFECTIVE; APOLIPOPROTEIN B-100, FAMILIAL LIGAND-DEFECTIVE; HYPERCHOLESTEROLEMIA, FAMILIAL, DUE TO LIGAND-DEFECTIVE APOLIPOPROTEIN B; APOB-Related Familial Hypercholesterolemia, Autosomal Dominant. Identifiers: MedGen C1704417, MONDO:0007751, OMIM 144010.
Familial hypobetalipoproteinemia 1. Also called: APOB-Related Familial Hypobetalipoproteinemia; Hypobetalipoproteinemia, normotriglyceridemic; Acanthocytosis with hypobetalipoproteinemia. Identifiers: MedGen C4551990, MONDO:0014252, OMIM 615558.

Allele frequency attached by ClinVar (database versions not stated): gnomAD exomes 0.00002 and 0.00001; ExAC 0.00002.
gnomAD v4.1: 10 of 1,612,100 alleles (0.00062%); highest among the groups gnomAD compares: South Asian, 0.0099%; no homozygotes.

Submissions (3):

Ambry Genetics
Classification: Uncertain significance for Cardiovascular phenotype. Last evaluated: 2026-07-06. Review status: criteria provided, single submitter. Criteria: Ambry Variant Classification Scheme 2023. Collection method: clinical testing. Allele origin: germline.
Comment: The p.L687F variant (also known as c.2059C>T), located in coding exon 14 of the APOB gene, results from a C to T substitution at nucleotide position 2059. The leucine at codon 687 is replaced by phenylalanine, an amino acid with highly similar properties. This amino acid position is conserved. In addition, this alteration is predicted to be tolerated by in silico analysis. Based on the available evidence, the clinical significance of this variant remains unclear.

GeneDx
Classification: Uncertain significance. Last evaluated: 2025-07-13. Review status: criteria provided, single submitter. Criteria: GeneDx Variant Classification Process June 2021. Collection method: clinical testing. Allele origin: germline. Affected: yes.
Comment: Not observed at significant frequency in large population cohorts (gnomAD); In silico analysis supports that this missense variant has a deleterious effect on protein structure/function; Has not been previously published as pathogenic or benign to our knowledge; Also known as p.(L660F)

Labcorp Genetics (formerly Invitae), Labcorp
Classification: Uncertain significance for Familial hypobetalipoproteinemia 1; Hypercholesterolemia, autosomal dominant, type B. Last evaluated: 2021-08-31. Review status: criteria provided, single submitter. Criteria: Invitae Variant Classification Sherloc (09022015). Collection method: clinical testing. Allele origin: germline.
Comment: This sequence change replaces leucine with phenylalanine at codon 687 of the APOB protein (p.Leu687Phe). The leucine residue is moderately conserved and there is a small physicochemical difference between leucine and phenylalanine. This variant is present in population databases (rs767507109, ExAC 0.02%). This variant has not been reported in the literature in individuals affected with APOB-related conditions. Algorithms developed to predict the effect of missense changes on protein structure and function are either unavailable or do not agree on the potential impact of this missense change (SIFT: "Deleterious"; PolyPhen-2: "Probably Damaging"; Align-GVGD: "Class C0"). In summary, the available evidence is currently insufficient to determine the role of this variant in disease. Therefore, it has been classified as a Variant of Uncertain Significance.

NM_000384.3(APOB):c.2059C>T (p.Leu687Phe)

Gene: APOB (apolipoprotein B; minus strand). Cytogenetic location: 2p24.1.
Variant type: single nucleotide variant.
Coding change: c.2059C>T on transcript NM_000384.3 (MANE Select); coding-DNA position 2059, C replaced by T.
Protein change: p.Leu687Phe; replaces leucine 687 with phenylalanine.
Molecular consequence: missense variant.
Genome position (GRCh38, 1-based): chr2:21,027,836, G>A on the plus strand (C>T on the coding strand, the complement: APOB is on the minus strand). VCF-style: chr2-21027836-G-A. GRCh37 (hg19) VCF-style: chr2-21250708-G-A.
Other names: c.2059C>T (NM_000384.2); short protein forms L687F.
Identifiers: ClinVar variation 1488531 (VCV001488531.8), dbSNP rs767507109, ClinGen allele CA055109.
Genomic context (GRCh38, chr2:21,027,836, plus strand): 5'-TTTATGATGCTGTACAAAATGGGCTAGAGAACCTCAAACTCTTCACACTTACCTCGATGA[G>A]GTCAGCTGAAGCAAATCCAAAGGCAGTGAGGGTAGTTTTCAGCATGCTTTCTTTAGGAAG-3'
Protein context (NP_000375.3, residues 677-697): LTAFGFASAD[Leu687Phe]IEIGLEGKGF